The following is an entry in ClinVar:

ClinVar aggregate classification (germline): Pathogenic. Review status: criteria provided, multiple submitters, no conflicts (2 of 4 stars). 5 submissions from 5 submitters: Pathogenic (5). Last evaluated 2025-04-09.

Conditions:
Cardiovascular phenotype. Identifiers: MedGen CN230736.
Hereditary cancer-predisposing syndrome. Also called: Neoplastic Syndromes, Hereditary; Hereditary Cancer Syndrome; Hereditary neoplastic syndrome; Tumor predisposition. Identifiers: Orphanet 140162, MedGen C0027672, MeSH D009386, MONDO:0015356.
Neurofibromatosis, type 1 (NF1). Also called: VON RECKLINGHAUSEN DISEASE; NEUROFIBROMATOSIS, TYPE I, SOMATIC; Neurofibromatosis, type I; Peripheral type neurofibromatosis. Identifiers: Orphanet 636, MedGen C0027831, MONDO:0018975, OMIM 162200. Disease mechanism: loss of function.

Submissions (5):

NHS Central & South Genomic Laboratory Hub
Classification: Pathogenic for Neurofibromatosis type 1. Last evaluated: 2025-04-09. Review status: criteria provided, single submitter. Criteria: ACMG Guidelines, 2015. Collection method: clinical testing. Allele origin: germline. Affected: yes.

Labcorp Genetics (formerly Invitae), Labcorp
Classification: Pathogenic for Neurofibromatosis, type 1. Last evaluated: 2024-12-22. Review status: criteria provided, single submitter. Criteria: Invitae Variant Classification Sherloc (09022015). Collection method: clinical testing. Allele origin: germline.
Comment: This sequence change creates a premature translational stop signal (p.Gln1126*) in the NF1 gene. It is expected to result in an absent or disrupted protein product. Loss-of-function variants in NF1 are known to be pathogenic (PMID: 10712197, 23913538). This variant is not present in population databases (gnomAD no frequency). This premature translational stop signal has been observed in individual(s) with clinical features of NF1-related conditions (PMID: 2152033). ClinVar contains an entry for this variant (Variation ID: 449424). Algorithms developed to predict the effect of sequence changes on RNA splicing suggest that this variant may disrupt the consensus splice site. For these reasons, this variant has been classified as Pathogenic.

Ambry Genetics
Classification: Pathogenic for Cardiovascular phenotype; Hereditary cancer-predisposing syndrome. Last evaluated: 2023-03-27. Review status: criteria provided, single submitter. Criteria: Ambry Variant Classification Scheme 2023. Collection method: clinical testing. Allele origin: germline.
Comment: The p.Q1126* pathogenic mutation (also known as c.3376C>T), located in coding exon 26 of the NF1 gene, results from a C to T substitution at nucleotide position 3376. This changes the amino acid from a glutamine to a stop codon within coding exon 26. This alteration has been observed in multiple individuals with a personal and/or family history that is consistent with NF1-related disease (Ambry internal data; van Minkelen R et al. Clin Genet, 2014 Apr;85:318-27; Coleman DM et al. Hum Mol Genet, 2022 Feb;31:334-346). This variant is considered to be rare based on population cohorts in the Genome Aggregation Database (gnomAD). In addition to the clinical data presented in the literature, this alteration is expected to result in loss of function by premature protein truncation or nonsense-mediated mRNA decay. As such, this alteration is interpreted as a disease-causing mutation.

Genome-Nilou Lab
Classification: Pathogenic for Neurofibromatosis, type 1. Last evaluated: 2022-03-15. Review status: criteria provided, single submitter. Criteria: ACMG Guidelines, 2015. Collection method: clinical testing. Allele origin: germline. Affected: no.

GeneDx
Classification: Pathogenic. Last evaluated: 2017-09-06. Review status: criteria provided, single submitter. Criteria: GeneDx Variant Classification (06012015). Collection method: clinical testing. Allele origin: germline. Affected: yes.
Comment: The Q1126X nonsense variant has been reported previously in association with neurofibromatosis type 1 in the Human Gene Mutation Database as a variant obtained via personal communication (Stenson et al., 2014; vanMinkelen et al., 2014). This variant is predicted to cause loss of normal protein function either through protein truncation or nonsense-mediated mRNA decay. The variant is not observed in large population cohorts (Lek et al., 2016; 1000 Genomes Consortium et al., 2015; Exome Variant Server). In summary, we classify this variant as pathogenic.

Literature cited by the submitters: PubMed 10712197 (cited by Labcorp Genetics (formerly Invitae), Labcorp); PubMed 23913538 (cited by Labcorp Genetics (formerly Invitae), Labcorp); PubMed 2152033 (cited by Labcorp Genetics (formerly Invitae), Labcorp).

NM_001042492.3(NF1):c.3376C>T (p.Gln1126Ter)

Gene: NF1 (neurofibromin 1; plus strand). Cytogenetic location: 17q11.2.
Variant type: single nucleotide variant.
Coding change: c.3376C>T on transcript NM_001042492.3 (MANE Select); coding-DNA position 3376, C replaced by T.
Protein change: p.Gln1126Ter; replaces glutamine 1126 with a stop codon.
Molecular consequence: nonsense.
Genome position (GRCh38, 1-based): chr17:31,232,761, C>T. VCF-style: chr17-31232761-C-T. GRCh37 (hg19) VCF-style: chr17-29559779-C-T.
Other names: c.3376C>T, p.Gln1126Ter (NM_000267.4); short protein forms Q1126*.
Identifiers: ClinVar variation 449424 (VCV000449424.11), dbSNP rs1555614947, ClinGen allele CA398989100.